The following is an entry in ClinVar:

ClinVar aggregate classification (germline): Conflicting classifications of pathogenicity. Review status: criteria provided, conflicting classifications (1 of 4 stars). 4 submissions from 3 submitters: Uncertain significance (3); Benign (1). Last evaluated 2026-01-01.

Conditions:
Cardiovascular phenotype. Identifiers: MedGen CN230736.
Hereditary cancer-predisposing syndrome. Also called: Hereditary neoplastic syndrome; Neoplastic Syndromes, Hereditary; Tumor predisposition; Hereditary Cancer Syndrome. Identifiers: Orphanet 140162, MedGen C0027672, MeSH D009386, MONDO:0015356.
Neurofibromatosis, type 1 (NF1). Also called: VON RECKLINGHAUSEN DISEASE; Peripheral type neurofibromatosis; NEUROFIBROMATOSIS, TYPE I, SOMATIC; Neurofibromatosis, type I. Identifiers: Orphanet 636, MedGen C0027831, MONDO:0018975, OMIM 162200. Disease mechanism: loss of function.

Submissions (4):

Labcorp Genetics (formerly Invitae), Labcorp
Classification: Benign for Neurofibromatosis, type 1. Last evaluated: 2026-01-01. Review status: criteria provided, single submitter. Criteria: Invitae Variant Classification Sherloc (09022015). Collection method: clinical testing. Allele origin: germline.

Genome-Nilou Lab
Classification: Uncertain significance for Neurofibromatosis, type 1. Last evaluated: 2022-03-15. Review status: criteria provided, single submitter. Criteria: ACMG Guidelines, 2015. Collection method: clinical testing. Allele origin: germline. Affected: no.

Ambry Genetics
Classification: Uncertain significance for Cardiovascular phenotype; Hereditary cancer-predisposing syndrome. Last evaluated: 2021-11-10. Review status: criteria provided, single submitter. Criteria: Ambry Variant Classification Scheme 2023. Collection method: clinical testing. Allele origin: germline.

Ambry Genetics
Classification: Uncertain significance for Hereditary cancer-predisposing syndrome. Last evaluated: 2016-01-07. Review status: criteria provided, single submitter. Criteria: Ambry Autosomal Dominant and X-Linked criteria (10/2015). Collection method: clinical testing. Allele origin: germline. Observed: 1 variant allele.
Comment: The p.V341I variant (also known as c.1021G>A), located in coding exon 9 of the NF1 gene, results from a G to A substitution at nucleotide position 1021. The valine at codon 341 is replaced by isoleucine, an amino acid with highly similar properties. This variant was not reported in population based cohorts in the following databases: Database of Single Nucleotide Polymorphisms (dbSNP), NHLBI Exome Sequencing Project (ESP), and 1000 Genomes Project. In the ESP, this variant was not observed in 6503 samples (13006 alleles) with coverage at this position. To date, this alteration has been detected with an allele frequency of approximately 0.001% (greater than 110000alleles tested) in our clinical cohort.This amino acid position is well conserved in available vertebrate species. In addition, this alteration is predicted to be tolerated by in silico analysis.Since supporting evidence is limited at this time, the clinical significance of p.V341I remains unclear.

NM_001042492.3(NF1):c.1021G>A (p.Val341Ile)

Gene: NF1 (neurofibromin 1; plus strand). Cytogenetic location: 17q11.2.
Variant type: single nucleotide variant.
Coding change: c.1021G>A on transcript NM_001042492.3 (MANE Select); coding-DNA position 1021, G replaced by A.
Protein change: p.Val341Ile; replaces valine 341 with isoleucine.
Molecular consequence: missense variant.
Genome position (GRCh38, 1-based): chr17:31,200,554, G>A. VCF-style: chr17-31200554-G-A. GRCh37 (hg19) VCF-style: chr17-29527572-G-A.
Other names: c.1021G>A, p.Val341Ile (NM_000267.4, NM_001128147.3); short protein forms V341I.
Identifiers: ClinVar variation 481886 (VCV000481886.13), dbSNP rs1555610907, ClinGen allele CA398996340.